The following is an entry in ClinVar:

NM_201253.3(CRB1):c.2380C>A (p.His794Asn)

Gene: CRB1 (crumbs cell polarity complex component 1; plus strand). Cytogenetic location: 1q31.3.
Variant type: single nucleotide variant.
Coding change: c.2380C>A on transcript NM_201253.3 (MANE Select); coding-DNA position 2380, C replaced by A.
Protein change: p.His794Asn; replaces histidine 794 with asparagine.
Molecular consequence: missense variant. On other transcripts: non-coding transcript variant (2), intron variant (1).
Genome position (GRCh38, 1-based): chr1:197,427,705, C>A. VCF-style: chr1-197427705-C-A. GRCh37 (hg19) VCF-style: chr1-197396835-C-A.
Other names: c.2044C>A, p.His682Asn (NM_001193640.2); c.2173C>A, p.His725Asn (NM_001257965.2); c.2128+5749C>A (NM_001257966.2); short protein forms H794N, H682N, H725N.
Identifiers: ClinVar variation 471782 (VCV000471782.8), dbSNP rs1294237377, ClinGen allele CA344037086.

ClinVar aggregate classification (germline): Uncertain significance (1 of 4 stars; one submission).

Conditions:
Leber congenital amaurosis 8 (LCA8). Identifiers: Orphanet 65, MedGen C3151202, MONDO:0013453, OMIM 613835.
Retinitis pigmentosa 12 (RP12). Also called: RP WITH OR WITHOUT PRESERVED PARAARTERIOLE RETINAL PIGMENT EPITHELIUM; RETINITIS PIGMENTOSA WITH OR WITHOUT PARAARTERIOLAR PRESERVATION OF RETINAL PIGMENT EPITHELIUM; RP WITH OR WITHOUT PPRPE. Identifiers: Orphanet 791, MedGen C1838647, MONDO:0010818, OMIM 600105.

Submission:

Labcorp Genetics (formerly Invitae), Labcorp
Classification: Uncertain significance for Leber congenital amaurosis 8; Retinitis pigmentosa 12. Last evaluated: 2017-06-12. Review status: criteria provided, single submitter. Criteria: Invitae Variant Classification Sherloc (09022015). Collection method: clinical testing. Allele origin: germline.
Comment: In summary, this variant has uncertain impact on CRB1 function. The available evidence is currently insufficient to determine its role in disease. Therefore, it has been classified as a Variant of Uncertain Significance. Algorithms developed to predict the effect of missense changes on protein structure and function do not agree on the potential impact of this missense change (SIFT: "Deleterious"; PolyPhen-2: "Benign"; Align-GVGD: "Class C25"). This variant has not been reported in the literature in individuals with a CRB1-related disease. This variant is not present in population databases (ExAC no frequency). This sequence change replaces histidine with asparagine at codon 794 of the CRB1 protein (p.His794Asn). The histidine residue is highly conserved and there is a small physicochemical difference between histidine and asparagine.